The following is an entry in ClinVar:

NM_144670.6(A2ML1):c.952G>A (p.Val318Ile)

Gene: A2ML1 (alpha-2-macroglobulin like 1; plus strand). Cytogenetic location: 12p13.31.
Variant type: single nucleotide variant.
Coding change: c.952G>A on transcript NM_144670.6 (MANE Select); coding-DNA position 952, G replaced by A.
Protein change: p.Val318Ile; replaces valine 318 with isoleucine.
Molecular consequence: missense variant.
Genome position (GRCh38, 1-based): chr12:8,838,432, G>A. VCF-style: chr12-8838432-G-A. GRCh37 (hg19) VCF-style: chr12-8991028-G-A.
Other names: short protein forms V318I.
Identifiers: ClinVar variation 3025959 (VCV003025959.22), dbSNP rs2539210350, ClinGen allele CA383823474.

ClinVar aggregate classification (germline): Uncertain significance (1 of 4 stars; one submission).

gnomAD v4.1: 3 of 1,613,680 alleles (0.00019%); highest among the groups gnomAD compares: Middle Eastern, 0.016%; no homozygotes.

Submission:

CeGaT Center for Human Genetics Tuebingen
Classification: Uncertain significance. Last evaluated: 2023-12-01. Review status: criteria provided, single submitter. Criteria: CeGaT Center For Human Genetics Tuebingen Variant Classification Criteria Version 2. Collection method: clinical testing. Allele origin: germline. Affected: yes. Observed: 1 variant allele.
Comment: A2ML1: PM2, BP4